The following is an entry in ClinVar:

NM_001042492.3(NF1):c.3632T>C (p.Leu1211Pro)

Gene: NF1 (neurofibromin 1; plus strand). Cytogenetic location: 17q11.2.
Variant type: single nucleotide variant.
Coding change: c.3632T>C on transcript NM_001042492.3 (MANE Select); coding-DNA position 3632, T replaced by C.
Protein change: p.Leu1211Pro; replaces leucine 1211 with proline.
Molecular consequence: missense variant.
Genome position (GRCh38, 1-based): chr17:31,233,137, T>C. VCF-style: chr17-31233137-T-C. GRCh37 (hg19) VCF-style: chr17-29560155-T-C.
Other names: c.3632T>C, p.Leu1211Pro (NM_000267.4); short protein forms L1211P.
Identifiers: ClinVar variation 2749178 (VCV002749178.3), dbSNP rs1135402845, ClinGen allele CA398990383.

ClinVar aggregate classification (germline): Uncertain significance (1 of 4 stars; one submission).

Conditions:
Neurofibromatosis, type 1 (NF1). Also called: Peripheral type neurofibromatosis; NEUROFIBROMATOSIS, TYPE I, SOMATIC; VON RECKLINGHAUSEN DISEASE; Neurofibromatosis, type I. Identifiers: Orphanet 636, MedGen C0027831, MONDO:0018975, OMIM 162200. Disease mechanism: loss of function.

Submission:

Labcorp Genetics (formerly Invitae), Labcorp
Classification: Uncertain significance for Neurofibromatosis, type 1. Last evaluated: 2024-04-22. Review status: criteria provided, single submitter. Criteria: Invitae Variant Classification Sherloc (09022015). Collection method: clinical testing. Allele origin: germline.
Comment: This sequence change replaces leucine, which is neutral and non-polar, with proline, which is neutral and non-polar, at codon 1211 of the NF1 protein (p.Leu1211Pro). This variant is not present in population databases (gnomAD no frequency). This variant has not been reported in the literature in individuals affected with NF1-related conditions. Advanced modeling of protein sequence and biophysical properties (such as structural, functional, and spatial information, amino acid conservation, physicochemical variation, residue mobility, and thermodynamic stability) performed at Invitae indicates that this missense variant is expected to disrupt NF1 protein function with a positive predictive value of 95%. In summary, the available evidence is currently insufficient to determine the role of this variant in disease. Therefore, it has been classified as a Variant of Uncertain Significance.